The following is an entry in ClinVar:

ClinVar aggregate classification (germline): Pathogenic (1 of 4 stars; one submission).

Allele frequency attached by ClinVar (database versions not stated): TOPMed below 0.00001.

Submission:

Labcorp Genetics (formerly Invitae), Labcorp
Classification: Pathogenic. Last evaluated: 2023-03-17. Review status: criteria provided, single submitter. Criteria: Invitae Variant Classification Sherloc (09022015). Collection method: clinical testing. Allele origin: germline.
Comment: For these reasons, this variant has been classified as Pathogenic. This variant has not been reported in the literature in individuals affected with HPS3-related conditions. This variant is not present in population databases (gnomAD no frequency). This sequence change creates a premature translational stop signal (p.Gln267*) in the HPS3 gene. It is expected to result in an absent or disrupted protein product. Loss-of-function variants in HPS3 are known to be pathogenic (PMID: 11590544).

Literature cited by the submitters: PubMed 11590544.

NM_032383.5(HPS3):c.799C>T (p.Gln267Ter)

Gene: HPS3 (HPS3 biogenesis of lysosomal organelles complex 2 subunit 1; plus strand). Cytogenetic location: 3q24.
Variant type: single nucleotide variant.
Coding change: c.799C>T on transcript NM_032383.5 (MANE Select); coding-DNA position 799, C replaced by T.
Protein change: p.Gln267Ter; replaces glutamine 267 with a stop codon.
Molecular consequence: nonsense.
Genome position (GRCh38, 1-based): chr3:149,141,103, C>T. VCF-style: chr3-149141103-C-T. GRCh37 (hg19) VCF-style: chr3-148858890-C-T.
Other names: c.304C>T, p.Gln102Ter (NM_001308258.2); short protein forms Q267*, Q102*.
Identifiers: ClinVar variation 2846443 (VCV002846443.3), dbSNP rs1722414362, ClinGen allele CA354913475.
Genomic context (GRCh38, chr3:149,141,103, plus strand): 5'-GAGTCAGATGATTTTGTCATCTGCCAGAAGCCCCTGGAACTTCTTGGTGAAAAAAGTGAA[C>T]AGTCTGGATTATCTGTTACACTGGAGTCTACGGGATTAGCTGATGAAAAAAGAAAATATT-3'